The following is an entry in ClinVar:

ClinVar aggregate classification (germline): Pathogenic (1 of 4 stars; one submission).

Conditions:
Arrhythmogenic right ventricular dysplasia 8 (ARVD8). Also called: Arrhythmogenic Right Ventricular Dysplasia/Cardiomyopathy 8; ARRHYTHMOGENIC RIGHT VENTRICULAR DYSPLASIA, FAMILIAL, 8; ARRHYTHMOGENIC RIGHT VENTRICULAR CARDIOMYOPATHY 8. Identifiers: MedGen C1843896, MONDO:0011831, OMIM 607450.
Arrhythmogenic cardiomyopathy with wooly hair and keratoderma. Also called: Carvajal syndrome; PALMOPLANTAR KERATODERMA WITH LEFT VENTRICULAR CARDIOMYOPATHY AND WOOLLY HAIR; Arrhythmogenic cardiomyopathy with woolly hair and keratoderma; Dilated cardiomyopathy with woolly hair and keratoderma. Identifiers: Orphanet 65282, MedGen C1854063, MONDO:0011581, OMIM 605676.

Submission:

Labcorp Genetics (formerly Invitae), Labcorp
Classification: Pathogenic for Arrhythmogenic cardiomyopathy with wooly hair and keratoderma; Arrhythmogenic right ventricular dysplasia 8. Last evaluated: 2021-08-02. Review status: criteria provided, single submitter. Criteria: Invitae Variant Classification Sherloc (09022015). Collection method: clinical testing. Allele origin: germline.
Comment: This sequence change creates a premature translational stop signal (p.Leu1773Tyrfs*8) in the DSP gene. While this is not anticipated to result in nonsense mediated decay, it is expected to disrupt the last 1099 amino acid(s) of the DSP protein. This variant is not present in population databases (ExAC no frequency). This premature translational stop signal has been observed in individual(s) with arrhythmogenic right ventricular cardiomyopathy (PMID: 29606362). ClinVar contains an entry for this variant (Variation ID: 1076072). This variant disrupts a region of the DSP protein in which other variant(s) (p.Glu2728Glyfs*11) have been determined to be pathogenic (Invitae). This suggests that this is a clinically significant region of the protein, and that variants that disrupt it are likely to be disease-causing. For these reasons, this variant has been classified as Pathogenic.

Literature cited by the submitters: PubMed 29606362.

NM_004415.4(DSP):c.5318del (p.Leu1773fs)

Gene: DSP (desmoplakin; plus strand). Cytogenetic location: 6p24.3.
Variant type: Deletion.
Coding change: c.5318del on transcript NM_004415.4 (MANE Select); coding-DNA position 5318, one base deleted (T; older notation c.5318delT).
Protein change: p.Leu1773fs; shifts the reading frame from leucine 1773.
Molecular consequence: frameshift variant. On other transcripts: intron variant (2).
Genome position (GRCh38, 1-based): chr6:7,581,508, T deleted; the last of 3 consecutive T bases (chr6:7,581,506-7,581,508); deleting any one gives the same sequence. VCF-style (leftmost placement, unchanged base first): chr6-7581505-AT-A. GRCh37 (hg19) VCF-style: chr6-7581738-AT-A.
Other names: c.4051-1134del (NM_001319034.2); c.3583-1134del (NM_001008844.3); short protein forms L1773fs.
Identifiers: ClinVar variation 1076072 (VCV001076072.7), dbSNP rs2113696088, ClinGen allele CA2499218562.